The following is an entry in ClinVar:

NM_006258.4(PRKG1):c.1404-308C>T

Gene: PRKG1 (protein kinase cGMP-dependent 1; plus strand). Cytogenetic location: 10q21.1.
Variant type: single nucleotide variant.
Coding change: c.1404-308C>T on transcript NM_006258.4 (MANE Select); 308 bases into the intron before coding-DNA position 1404, C replaced by T.
Molecular consequence: intron variant.
Genome position (GRCh38, 1-based): chr10:52,280,481, C>T. VCF-style: chr10-52280481-C-T. GRCh37 (hg19) VCF-style: chr10-54040241-C-T.
Other names: c.1359-308C>T (NM_001098512.3).
Identifiers: ClinVar variation 683741 (VCV000683741.1), dbSNP rs74133304, ClinGen allele CA207400725.

ClinVar aggregate classification (germline): Likely benign (1 of 4 stars; one submission).

Allele frequency attached by ClinVar (database versions not stated): gnomAD 0.01236 and 0.01319; 1000 Genomes Project 0.01418; TOPMed 0.01450; 1000 Genomes Project 30x 0.01593.
gnomAD v4.1: 1,858 of 152,102 alleles (1.2%); highest among the groups gnomAD compares: African/African-American, 4.3%; 36 homozygotes.

Submission:

GeneDx
Classification: Likely benign. Last evaluated: 2018-06-19. Review status: criteria provided, single submitter. Criteria: GeneDx Variant Classification (06012015). Collection method: clinical testing. Allele origin: germline. Affected: yes.
Comment: This variant is considered likely benign or benign based on one or more of the following criteria: it is a conservative change, it occurs at a poorly conserved position in the protein, it is predicted to be benign by multiple in silico algorithms, and/or has population frequency not consistent with disease.